The following is an entry in ClinVar:

NM_005733.3(KIF20A):c.570C>A (p.Ser190Arg)

Gene: KIF20A (kinesin family member 20A; plus strand). Cytogenetic location: 5q31.2.
Variant type: single nucleotide variant.
Coding change: c.570C>A on transcript NM_005733.3 (MANE Select); coding-DNA position 570, C replaced by A.
Protein change: p.Ser190Arg; replaces serine 190 with arginine.
Molecular consequence: missense variant.
Genome position (GRCh38, 1-based): chr5:138,182,641, C>A. VCF-style: chr5-138182641-C-A. GRCh37 (hg19) VCF-style: chr5-137518330-C-A.
Other names: short protein forms S190R.
Identifiers: ClinVar variation 3649163 (VCV003649163.2).
Genomic context (GRCh38, chr5:138,182,641, plus strand): 5'-TCCAGGTACCATCAAGGATGGAGGGATTCTCCCCCGGTCCCTGGCGCTGATCTTCAATAG[C>A]CTCCAAGGCCAACTTCATCCAACACCTGATCTGAAGCCCTTGCTCTCCAATGAGGTAATC-3'
Protein context (NP_005724.1, residues 180-200): LPRSLALIFN[Ser190Arg]LQGQLHPTPD

ClinVar aggregate classification (germline): Uncertain significance (1 of 4 stars; one submission).

Submission:

Labcorp Genetics (formerly Invitae), Labcorp
Classification: Uncertain significance. Last evaluated: 2024-04-08. Review status: criteria provided, single submitter. Criteria: Invitae Variant Classification Sherloc (09022015). Collection method: clinical testing. Allele origin: germline.
Comment: This sequence change replaces serine, which is neutral and polar, with arginine, which is basic and polar, at codon 190 of the KIF20A protein (p.Ser190Arg). This variant is not present in population databases (gnomAD no frequency). This variant has not been reported in the literature in individuals affected with KIF20A-related conditions. An algorithm developed to predict the effect of missense changes on protein structure and function (PolyPhen-2) suggests that this variant is likely to be disruptive. In summary, the available evidence is currently insufficient to determine the role of this variant in disease. Therefore, it has been classified as a Variant of Uncertain Significance.